The following is an entry in ClinVar:

ClinVar aggregate classification (germline): Uncertain significance (1 of 4 stars; one submission).

Submission:

Labcorp Genetics (formerly Invitae), Labcorp
Classification: Uncertain significance. Last evaluated: 2021-03-26. Review status: criteria provided, single submitter. Criteria: Invitae Variant Classification Sherloc (09022015). Collection method: clinical testing. Allele origin: germline.
Comment: This sequence change replaces glutamine with proline at codon 552 of the PCLO protein (p.Gln552Pro). The glutamine residue is moderately conserved and there is a moderate physicochemical difference between glutamine and proline. This variant is not present in population databases (ExAC no frequency). In summary, the available evidence is currently insufficient to determine the role of this variant in disease. Therefore, it has been classified as a Variant of Uncertain Significance. Algorithms developed to predict the effect of missense changes on protein structure and function (SIFT, PolyPhen-2, Align-GVGD) all suggest that this variant is likely to be tolerated, but these predictions have not been confirmed by published functional studies and their clinical significance is uncertain. This variant has not been reported in the literature in individuals with PCLO-related conditions.

NM_033026.6(PCLO):c.1655A>C (p.Gln552Pro)

Gene: PCLO (piccolo presynaptic cytomatrix protein; minus strand). Cytogenetic location: 7q21.11.
Variant type: single nucleotide variant.
Coding change: c.1655A>C on transcript NM_033026.6 (MANE Select); coding-DNA position 1655, A replaced by C.
Protein change: p.Gln552Pro; replaces glutamine 552 with proline.
Molecular consequence: missense variant.
Genome position (GRCh38, 1-based): chr7:83,154,986, T>G on the plus strand (A>C on the coding strand, the complement: PCLO is on the minus strand). VCF-style: chr7-83154986-T-G. GRCh37 (hg19) VCF-style: chr7-82784302-T-G.
Other names: c.1655A>C, p.Gln552Pro (NM_014510.3); short protein forms Q552P.
Identifiers: ClinVar variation 1417130 (VCV001417130.8), dbSNP rs2116685699, ClinGen allele CA367913216.